The following is an entry in ClinVar:

NM_001349253.2(SCN11A):c.3296A>G (p.His1099Arg)

Gene: SCN11A (sodium voltage-gated channel alpha subunit 11; minus strand). Cytogenetic location: 3p22.2.
Variant type: single nucleotide variant.
Coding change: c.3296A>G on transcript NM_001349253.2 (MANE Select); coding-DNA position 3296, A replaced by G.
Protein change: p.His1099Arg; replaces histidine 1099 with arginine.
Molecular consequence: missense variant.
Genome position (GRCh38, 1-based): chr3:38,880,047, T>C on the plus strand (A>G on the coding strand, the complement: SCN11A is on the minus strand). VCF-style: chr3-38880047-T-C. GRCh37 (hg19) VCF-style: chr3-38921538-T-C.
Other names: c.3296A>G, p.His1099Arg (NM_014139.3); short protein forms H1099R.
Identifiers: ClinVar variation 855201 (VCV000855201.1), dbSNP rs2065282612, ClinGen allele CA352172689.

ClinVar aggregate classification (germline): Uncertain significance (1 of 4 stars; one submission).

Conditions:
Hereditary sensory and autonomic neuropathy type 7. Also called: Neuropathy, hereditary sensory and autonomic, type VII; HSAN VII. Identifiers: Orphanet 391397, MedGen C3809882, MONDO:0014244, OMIM 615548.
Familial episodic pain syndrome with predominantly lower limb involvement. Also called: Episodic pain syndrome, familial, 3. Identifiers: Orphanet 391384, Orphanet 391392, MedGen C3809899, MONDO:0014247, OMIM 615552.

Submission:

Labcorp Genetics (formerly Invitae), Labcorp
Classification: Uncertain significance for Episodic pain syndrome, familial, 3; Neuropathy, hereditary sensory and autonomic, type VII. Last evaluated: 2019-04-04. Review status: criteria provided, single submitter. Criteria: Invitae Variant Classification Sherloc (09022015). Collection method: clinical testing. Allele origin: germline.
Comment: This sequence change replaces histidine with arginine at codon 1099 of the SCN11A protein (p.His1099Arg). The histidine residue is weakly conserved and there is a small physicochemical difference between histidine and arginine. This variant is not present in population databases (ExAC no frequency). This variant has not been reported in the literature in individuals with SCN11A-related conditions. Algorithms developed to predict the effect of missense changes on protein structure and function (SIFT, PolyPhen-2, Align-GVGD) all suggest that this variant is likely to be tolerated, but these predictions have not been confirmed by published functional studies and their clinical significance is uncertain. Algorithms developed to predict the effect of sequence changes on RNA splicing suggest that this variant may create or strengthen a splice site, but this prediction has not been confirmed by published transcriptional studies. In summary, the available evidence is currently insufficient to determine the role of this variant in disease. Therefore, it has been classified as a Variant of Uncertain Significance.